The following is an entry in ClinVar:

NC_000004.11:g.(?_186423448)_(186456588_?)dup

Gene: PDLIM3 (PDZ and LIM domain 3; minus strand). Cytogenetic location: 4q35.1.
Variant type: Duplication.
Identifiers: ClinVar variation 1056263 (VCV001056263.2).

ClinVar aggregate classification (germline): Uncertain significance (1 of 4 stars; one submission).

Conditions:
Primary dilated cardiomyopathy (DCM). Also called: Dilated Cardiomyopathy. Identifiers: Orphanet 217604, MedGen C0007193, MeSH D002311, MONDO:0005021, HP:0001644. Inheritance: Various modes of inheritance.
Hypertrophic cardiomyopathy. Also called: HYPERTROPHIC MYOCARDIOPATHY. Identifiers: Orphanet 217569, MedGen C0007194, MeSH D002312, MONDO:0005045, HP:0001639.

Submission:

Labcorp Genetics (formerly Invitae), Labcorp
Classification: Uncertain significance for Hypertrophic cardiomyopathy; Primary dilated cardiomyopathy. Last evaluated: 2022-09-01. Review status: criteria provided, single submitter. Criteria: Invitae Variant Classification Sherloc (09022015). Collection method: clinical testing. Allele origin: germline.
Comment: A copy number gain of the genomic region encompassing the full coding sequence of the PDLIM3 gene has been identified. The boundaries of this event are unknown as they extend beyond the assayed region for this gene and therefore may encompass additional genes. As the precise location of this event is unknown, it may be in tandem or it may be located elsewhere in the genome. A similar copy number variant has been observed in individual(s) with dilated cardiomyopathy (PMID: 32746448). In summary, the available evidence is currently insufficient to determine the role of this variant in disease. Therefore, it has been classified as a Variant of Uncertain Significance.

Literature cited by the submitters: PubMed 32746448.